The following is an entry in ClinVar:

NM_004385.5(VCAN):c.1192G>A (p.Val398Met)

Gene: VCAN (versican; plus strand). Cytogenetic location: 5q14.3.
Variant type: single nucleotide variant.
Coding change: c.1192G>A on transcript NM_004385.5 (MANE Select); coding-DNA position 1192, G replaced by A.
Protein change: p.Val398Met; replaces valine 398 with methionine.
Molecular consequence: missense variant. On other transcripts: intron variant (2).
Genome position (GRCh38, 1-based): chr5:83,519,498, G>A. VCF-style: chr5-83519498-G-A. GRCh37 (hg19) VCF-style: chr5-82815317-G-A.
Other names: c.1192G>A, p.Val398Met (NM_001164098.2); c.1042+7102G>A (NM_001164097.2, NM_001126336.3); short protein forms V398M.
Identifiers: ClinVar variation 354397 (VCV000354397.16), dbSNP rs186214606, ClinGen allele CA3332625.

ClinVar aggregate classification (germline): Benign/Likely benign. Review status: criteria provided, multiple submitters, no conflicts (2 of 4 stars). 4 submissions from 4 submitters: Benign (2); Likely benign (2). Last evaluated 2026-05-27.

Conditions:
VCAN-related disorder. Also called: VCAN-related condition.
Vitreoretinopathy. Also called: Vitreoretinal degeneration. Identifiers: MedGen C0344290, MONDO:0020248, HP:0007773.

Allele frequency attached by ClinVar (database versions not stated): gnomAD 0.00007 and 0.00013; TOPMed 0.00017; ExAC 0.00029; gnomAD exomes 0.00034; 1000 Genomes Project 0.00040; 1000 Genomes Project 30x 0.00047.
gnomAD v4.1: 224 of 1,614,022 alleles (0.014%); highest among the groups gnomAD compares: East Asian, 0.23%; 3 homozygotes.

Submissions (4):

PreventionGenetics, part of Exact Sciences
Classification: Likely benign for VCAN-related condition. Last evaluated: 2026-05-27. Review status: criteria provided, single submitter. Criteria: ACMG Guidelines, 2015. Collection method: clinical testing. Allele origin: germline.
Comment: This variant is classified as likely benign based on ACMG/AMP sequence variant interpretation guidelines (Richards et al. 2015 PMID: 25741868, with internal and published modifications).

Labcorp Genetics (formerly Invitae), Labcorp
Classification: Benign. Last evaluated: 2026-01-26. Review status: criteria provided, single submitter. Criteria: Invitae Variant Classification Sherloc (09022015). Collection method: clinical testing. Allele origin: germline.

Blueprint Genetics
Classification: Likely benign. Last evaluated: 2024-11-18. Review status: criteria provided, single submitter. Criteria: ACMG Guidelines, 2015. Collection method: clinical testing. Allele origin: germline.

Illumina Laboratory Services, Illumina
Classification: Benign for Vitreoretinopathy. Last evaluated: 2018-01-13. Review status: criteria provided, single submitter. Criteria: ICSL Variant Classification Criteria 13 December 2019. Collection method: clinical testing. Allele origin: germline.
Comment: This variant was observed in the ICSL laboratory as part of a predisposition screen in an ostensibly healthy population. It had not been previously curated by ICSL or reported in the Human Gene Mutation Database (HGMD: prior to June 1st, 2018), and was therefore a candidate for classification through an automated scoring system. Utilizing variant allele frequency, disease prevalence and penetrance estimates, and inheritance mode, an automated score was calculated to assess if this variant is too frequent to cause the disease. Based on the score and internal cut-off values, a variant classified as benign is not then subjected to further curation. The score for this variant resulted in a classification of benign for this disease.